The following is an entry in ClinVar:

NM_015874.6(RBPJ):c.59+1G>T

Gene: RBPJ (recombination signal binding protein for immunoglobulin kappa J region; plus strand). Cytogenetic location: 4p15.2.
Variant type: single nucleotide variant.
Coding change: c.59+1G>T on transcript NM_015874.6 (MANE Select); the canonical splice donor site of the intron after coding-DNA position 59, G replaced by T.
Molecular consequence: splice donor variant.
Genome position (GRCh38, 1-based): chr4:26,386,392, G>T. VCF-style: chr4-26386392-G-T. GRCh37 (hg19) VCF-style: chr4-26388014-G-T.
Other names: c.56+1G>T (NM_001374401.1, NM_001379407.1, NM_001379406.1 and 3 more transcripts); c.98+1G>T (NM_005349.4, NM_001379408.1, NM_001374400.1); c.-8+1G>T (NM_203283.5, NM_001363577.2); c.53+1G>T (NM_001379409.1).
Identifiers: ClinVar variation 3768092 (VCV003768092.1).
Genomic context (GRCh38, chr4:26,386,392, plus strand): 5'-TCTTTATTTTTTTTTTTCCAGGAAATTTGGTGAGCGGCCTCCACCTAAACGACTTACTAG[G>T]TGAGTATTATATTAGTCAGCTTTTTACACATACATTTTATGAAAGTATAAATCTTATTGT-3'

ClinVar aggregate classification (germline): Uncertain significance (1 of 4 stars; one submission).

Submission:

Women's Health and Genetics/Laboratory Corporation of America, LabCorp
Classification: Uncertain significance. Last evaluated: 2024-12-27. Review status: criteria provided, single submitter. Criteria: LabCorp Variant Classification Summary - May 2015. Collection method: clinical testing. Allele origin: germline.
Comment: Variant summary: RBPJ c.98+1G>T is located in a canonical splice-site and is predicted to affect mRNA splicing resulting in a significantly altered protein due to either exon skipping, shortening, or inclusion of intronic material. Variants that disrupt the consensus splice site are a relatively common cause of aberrant splicing, however current evidence is not sufficient to establish loss of function as a mechanism for disease. Several computational tools predict a significant impact on normal splicing: Three predict the variant abolishes a 5' splicing donor site. However, these predictions have yet to be confirmed by functional studies. The variant was absent in 236100 control chromosomes. The available data on variant occurrences in the general population are insufficient to allow any conclusion about variant significance. To our knowledge, no occurrence of c.98+1G>T in individuals affected with Adams-Oliver Syndrome 3 and no experimental evidence demonstrating its impact on protein function have been reported. No submitters have cited clinical-significance assessments for this variant to ClinVar. Based on the evidence outlined above, the variant was classified as uncertain significance.